The following is an entry in ClinVar:

ClinVar aggregate classification (germline): Likely pathogenic. Review status: criteria provided, multiple submitters, no conflicts (2 of 4 stars). 2 submissions from 2 submitters: Likely pathogenic (2). Last evaluated 2023-01-27.

Allele frequency attached by ClinVar (database versions not stated): TOPMed 0.00001.

Submissions (2):

GeneDx
Classification: Likely pathogenic. Last evaluated: 2023-01-27. Review status: criteria provided, single submitter. Criteria: GeneDx Variant Classification Process June 2021. Collection method: clinical testing. Allele origin: germline. Affected: yes.
Comment: Not observed at significant frequency in large population cohorts (gnomAD); In silico analysis supports that this missense variant does not alter protein structure/function; This variant is associated with the following publications: (PMID: 23913812, 15569175, 15921378)

ARUP Laboratories, Molecular Genetics and Genomics, ARUP Laboratories
Classification: Likely pathogenic. Last evaluated: 2021-09-07. Review status: criteria provided, single submitter. Criteria: ARUP Molecular Germline Variant Investigation Process 2021. Collection method: clinical testing. Allele origin: germline.
Comment: The F9 c.235G>A; p.Glu79Lys variant, also known as 6472G>A; Glu33Lys, is reported in the literature in individuals affected with moderate to severe hemophilia B (Belvini 2005, Enayat 2004, Rydz 2013, see link to FIX database and references therein). This variant is absent from the Genome Aggregation Database, indicating it is not a common polymorphism. The glutamic acid at codon 79 is highly conserved, and computational analyses predict that this variant is deleterious (REVEL: 0.869). Additionally, other amino acid substitutions at this codon (Ala, Asp, Gln, Gly, Val) have been reported in individuals with hemophilia B and are considered pathogenic (Belvini 2005, Rydz 2013, FIX database and references therein). Based on available information, the p.Glu79Lys variant is considered to be likely pathogenic. REFERENCES Link to FIX database: Belvini D et al. Molecular genotyping of the Italian cohort of patients with hemophilia B. Haematologica. 2005 May;90(5):635-42. PMID: 15921378. Enayat MS et al. Mutation analysis in F9 gene of 17 families with haemophilia B from Iran. Haemophilia. 2004 Nov;10(6):751-5. PMID: 15569175. Rydz N et al. The Canadian "National Program for hemophilia mutation testing" database: a ten-year review. Am J Hematol. 2013 Dec;88(12):1030-4. PMID: 23913812.

NM_000133.4(F9):c.235G>A (p.Glu79Lys)

Gene: F9 (coagulation factor IX; plus strand). Cytogenetic location: Xq27.1.
Variant type: single nucleotide variant.
Coding change: c.235G>A on transcript NM_000133.4 (MANE Select); coding-DNA position 235, G replaced by A.
Protein change: p.Glu79Lys; replaces glutamic acid 79 with lysine.
Molecular consequence: missense variant.
Genome position (GRCh38, 1-based): chrX:139,537,156, G>A. VCF-style: chrX-139537156-G-A. GRCh37 (hg19) VCF-style: chrX-138619315-G-A.
Other names: c.235G>A, p.Glu79Lys (NM_001313913.2); c.235G>A (NM_000133.3); short protein forms E79K.
Identifiers: ClinVar variation 994019 (VCV000994019.10), dbSNP rs1927499978, ClinGen allele CA414436218.